The following is an entry in ClinVar:

NM_002519.3(NPAT):c.2901G>A (p.Gln967=)

Gene: NPAT (nuclear protein, coactivator of histone transcription; minus strand). Cytogenetic location: 11q22.3.
Variant type: single nucleotide variant.
Coding change: c.2901G>A on transcript NM_002519.3 (MANE Select); coding-DNA position 2901, G replaced by A.
Protein change: p.Gln967=; no amino-acid change (glutamine 967 retained).
Molecular consequence: synonymous variant.
Genome position (GRCh38, 1-based): chr11:108,169,928, C>T on the plus strand (G>A on the coding strand, the complement: NPAT is on the minus strand). VCF-style: chr11-108169928-C-T. GRCh37 (hg19) VCF-style: chr11-108040655-C-T.
Other names: c.2901G>A, p.Gln967= (NM_001321307.1).
Identifiers: ClinVar variation 4782008 (VCV004782008.1).

ClinVar aggregate classification (germline): Uncertain significance (1 of 4 stars; one submission).

Submission:

Labcorp Genetics (formerly Invitae), Labcorp
Classification: Uncertain significance. Last evaluated: 2025-07-27. Review status: criteria provided, single submitter. Criteria: Invitae Variant Classification Sherloc (09022015). Collection method: clinical testing. Allele origin: germline.
Comment: This sequence change affects codon 967 of the NPAT mRNA. It is a 'silent' change, meaning that it does not change the encoded amino acid sequence of the NPAT protein. This variant also falls at the last nucleotide of exon 14, which is part of the consensus splice site for this exon. This variant is not present in population databases (gnomAD no frequency). This variant has not been reported in the literature in individuals affected with NPAT-related conditions. Variants that disrupt the consensus splice site are a relatively common cause of aberrant splicing (PMID: 17576681, 9536098). Algorithms developed to predict the effect of sequence changes on RNA splicing suggest that this variant may disrupt the consensus splice site. In summary, the available evidence is currently insufficient to determine the role of this variant in disease. Therefore, it has been classified as a Variant of Uncertain Significance.

Literature cited by the submitters: PubMed 17576681; PubMed 9536098.